The following is an entry in ClinVar:

ClinVar aggregate classification (germline): Likely benign. Review status: criteria provided, multiple submitters, no conflicts (2 of 4 stars). 3 submissions from 3 submitters: Likely benign (3). Last evaluated 2026-01-21.

Conditions:
Hereditary spastic paraplegia 11. Also called: Spastic Paraplegia 11; Spastic paraplegia, mental retardation and thin corpus callosum; Nakamura Osame syndrome; Autosomal recessive hereditary spastic paraplegia, mental impairment, and thin corpus callosum; SPASTIC PARAPLEGIA, AUTOSOMAL RECESSIVE, COMPLICATED, WITH THIN CORPUS CALLOSUM; SPASTIC PARAPLEGIA, AUTOSOMAL RECESSIVE, WITH MENTAL IMPAIRMENT AND THIN CORPUS CALLOSUM. Identifiers: Orphanet 2822, MedGen C1858479, MONDO:0011445, OMIM 604360.
Inborn genetic diseases. Identifiers: MedGen C0950123, MeSH D030342.
SPG11-related disorder. Also called: SPG11-related condition.

Allele frequency attached by ClinVar (database versions not stated): gnomAD exomes 0.00013 and 0.00002; gnomAD 0.00003; TOPMed 0.00003; ExAC 0.00013.
gnomAD v4.1: 34 of 1,614,084 alleles (0.0021%); highest among the groups gnomAD compares: East Asian, 0.076%; no homozygotes.

Submissions (3):

PreventionGenetics, part of Exact Sciences
Classification: Likely benign for SPG11-related condition. Last evaluated: 2026-01-21. Review status: criteria provided, single submitter. Criteria: ACMG Guidelines, 2015. Collection method: clinical testing. Allele origin: germline.
Comment: This variant is classified as likely benign based on ACMG/AMP sequence variant interpretation guidelines (Richards et al. 2015 PMID: 25741868, with internal and published modifications).

Labcorp Genetics (formerly Invitae), Labcorp
Classification: Likely benign for Hereditary spastic paraplegia 11. Last evaluated: 2026-01-09. Review status: criteria provided, single submitter. Criteria: Invitae Variant Classification Sherloc (09022015). Collection method: clinical testing. Allele origin: germline.

Ambry Genetics
Classification: Likely benign for Inborn genetic diseases. Last evaluated: 2019-07-11. Review status: criteria provided, single submitter. Criteria: Ambry Variant Classification Scheme 2023. Collection method: clinical testing. Allele origin: germline.

NM_025137.4(SPG11):c.7245A>T (p.Ala2415=)

Gene: SPG11 (SPG11 vesicle trafficking associated, spatacsin; minus strand). Cytogenetic location: 15q21.1.
Variant type: single nucleotide variant.
Coding change: c.7245A>T on transcript NM_025137.4 (MANE Select); coding-DNA position 7245, A replaced by T.
Protein change: p.Ala2415=; no amino-acid change (alanine 2415 retained).
Molecular consequence: synonymous variant.
Genome position (GRCh38, 1-based): chr15:44,563,208, T>A on the plus strand (A>T on the coding strand, the complement: SPG11 is on the minus strand). VCF-style: chr15-44563208-T-A. GRCh37 (hg19) VCF-style: chr15-44855406-T-A.
Other names: c.6906A>T, p.Ala2302= (NM_001160227.2).
Identifiers: ClinVar variation 534895 (VCV000534895.12), dbSNP rs774478465, ClinGen allele CA7533846.